The following is an entry in ClinVar:

ClinVar aggregate classification (germline): Conflicting classifications of pathogenicity. Review status: criteria provided, conflicting classifications (1 of 4 stars). 11 submissions from 11 submitters: Uncertain significance (1); Benign (1); Likely benign (9). Last evaluated 2026-09-01.

Conditions:
Familial thoracic aortic aneurysm and aortic dissection (TAAD). Also called: Thoracic aortic aneurysms and dissections. Identifiers: Orphanet 91387, MedGen C4707243, MONDO:0019625.
Aortic aneurysm, familial thoracic 4 (AAT4). Also called: AORTIC ANEURYSM/AORTIC DISSECTION AND PATENT DUCTUS ARTERIOSUS. Identifiers: MedGen C1851504, MONDO:0007568, OMIM 132900.

Allele frequency attached by ClinVar (database versions not stated): gnomAD 0.00007 and 0.00009; gnomAD exomes 0.00010 and 0.00011; TOPMed 0.00013; ExAC 0.00014; ESP Exome Variant Server 0.00015.
gnomAD v4.1: 173 of 1,609,040 alleles (0.011%); highest among the groups gnomAD compares: Non-Finnish European, 0.014%; no homozygotes.

Submissions (11):

CeGaT Center for Human Genetics Tuebingen
Classification: Likely benign. Last evaluated: 2026-09-01. Review status: criteria provided, single submitter. Criteria: CeGaT Center For Human Genetics Tuebingen Variant Classification Criteria Version 2. Collection method: clinical testing. Allele origin: germline. Affected: yes. Observed: 5 variant alleles.
Comment: MYH11: BP4, BP7

Labcorp Genetics (formerly Invitae), Labcorp
Classification: Likely benign for Aortic aneurysm, familial thoracic 4. Last evaluated: 2026-01-05. Review status: criteria provided, single submitter. Criteria: Invitae Variant Classification Sherloc (09022015). Collection method: clinical testing. Allele origin: germline.

Ambry Genetics
Classification: Likely benign for Familial thoracic aortic aneurysm and aortic dissection. Last evaluated: 2024-11-11. Review status: criteria provided, single submitter. Criteria: Ambry Variant Classification Scheme 2023. Collection method: clinical testing. Allele origin: germline.

All of Us Research Program, National Institutes of Health
Classification: Likely benign for Familial thoracic aortic aneurysm and aortic dissection. Last evaluated: 2024-01-11. Review status: criteria provided, single submitter. Criteria: ACMG Guidelines, 2015. Collection method: clinical testing. Allele origin: germline. Inheritance: Autosomal dominant inheritance. Observed: 39 variant alleles, 39 heterozygotes.
Comment: This study involves interpretation of variants in research participants for the purpose of population health screening. Participant phenotype was not available at the time of variant classification. Additional details can be found in publication PMID: 35346344, PMCID: PMC8962531

Blueprint Genetics
Classification: Likely benign. Last evaluated: 2023-11-28. Review status: criteria provided, single submitter. Criteria: ACMG Guidelines, 2015. Collection method: clinical testing. Allele origin: germline.

Women's Health and Genetics/Laboratory Corporation of America, LabCorp
Classification: Benign. Last evaluated: 2022-06-16. Review status: criteria provided, single submitter. Criteria: LabCorp Variant Classification Summary - May 2015. Collection method: clinical testing. Allele origin: germline.

ARUP Laboratories, Molecular Genetics and Genomics, ARUP Laboratories
Classification: Likely benign. Last evaluated: 2021-10-23. Review status: criteria provided, single submitter. Criteria: ARUP Molecular Germline Variant Investigation Process 2021. Collection method: clinical testing. Allele origin: germline.

GeneDx
Classification: Likely benign. Last evaluated: 2020-09-03. Review status: criteria provided, single submitter. Criteria: GeneDx Variant Classification Process June 2021. Collection method: clinical testing. Allele origin: germline. Affected: yes.

CHEO Genetics Diagnostic Laboratory, Children's Hospital of Eastern Ontario
Classification: Likely benign for Familial thoracic aortic aneurysm and aortic dissection. Last evaluated: 2019-09-27. Review status: criteria provided, single submitter. Criteria: ACMG Guidelines, 2015. Collection method: clinical testing. Allele origin: germline.

Color Diagnostics, LLC DBA Color Health
Classification: Likely benign for Familial thoracic aortic aneurysm and aortic dissection. Last evaluated: 2018-09-28. Review status: criteria provided, single submitter. Criteria: ACMG Guidelines, 2015. Collection method: clinical testing. Allele origin: germline.

Illumina Laboratory Services, Illumina
Classification: Uncertain significance for Aortic aneurysm, familial thoracic 4. Last evaluated: 2018-01-13. Review status: criteria provided, single submitter. Criteria: ICSL Variant Classification Criteria 13 December 2019. Collection method: clinical testing. Allele origin: germline.

NM_002474.3(MYH11):c.5277C>T (p.Val1759=)

Genes: MYH11 (myosin heavy chain 11; minus strand), NDE1 (nudE neurodevelopment protein 1; plus strand). Cytogenetic location: 16p13.11.
Variant type: single nucleotide variant.
Coding change: c.5277C>T on transcript NM_002474.3 (MANE Select); coding-DNA position 5277, C replaced by T.
Protein change: p.Val1759=; no amino-acid change (valine 1759 retained).
Molecular consequence: synonymous variant. On other transcripts: intron variant (2).
Genome position (GRCh38, 1-based): chr16:15,718,333, G>A on the plus strand (C>T on the coding strand, the complement: MYH11 is on the minus strand). VCF-style: chr16-15718333-G-A. GRCh37 (hg19) VCF-style: chr16-15812190-G-A.
Other names: c.5298C>T, p.Val1766= (NM_001040113.2, NM_001040114.2); c.5277C>T, p.Val1759= (NM_022844.3); c.948-5858G>A (NM_001143979.2, NM_017668.3).
Identifiers: ClinVar variation 318099 (VCV000318099.70), dbSNP rs112564682, ClinGen allele CA7921348.